The following is an entry in ClinVar:

NM_001330078.2(NRXN1):c.1846_1847delinsA (p.Gly616fs)

Gene: NRXN1 (neurexin 1; minus strand). Cytogenetic location: 2p16.3.
Variant type: Indel.
Coding change: c.1846_1847delinsA on transcript NM_001330078.2 (MANE Select); coding-DNA positions 1846 to 1847, GG replaced by A.
Protein change: p.Gly616fs; shifts the reading frame from glycine 616.
Molecular consequence: frameshift variant.
Genome position (GRCh38, 1-based): chr2:50,538,549-50,538,550, CC replaced by T on the plus strand (GG replaced by A on the coding strand, the reverse complement: NRXN1 is on the minus strand). VCF-style: chr2-50538549-CC-T. GRCh37 (hg19) VCF-style: chr2-50765687-CC-T.
Other names: c.1762_1763delinsA, p.Gly588fs (NM_001330096.2, NM_001330087.2); c.1846_1847delinsA, p.Gly616fs (NM_004801.6, NM_001330085.2, NM_001330086.2); c.1966_1967delinsA, p.Gly656fs (NM_001135659.3); c.1822_1823delinsA, p.Gly608fs (NM_001330077.2, NM_001330082.2, NM_001330095.2); c.1807_1808delinsA, p.Gly603fs (NM_001330083.2, NM_001330084.2); c.1792_1793delinsA, p.Gly598fs (NM_001330088.2); c.1843_1844delinsA, p.Gly615fs (NM_001330093.2); c.1834_1835delinsA, p.Gly612fs (NM_001330094.2); short protein forms G588fs, G598fs, G603fs, G608fs, G612fs, G615fs, G616fs, G656fs.
Identifiers: ClinVar variation 4850806 (VCV004850806.1).

ClinVar aggregate classification (germline): Pathogenic (1 of 4 stars; one submission).

Conditions:
Undefined NRXN1-related disorders.

Submission:

Variantyx, Inc.
Classification: Pathogenic for Undefined NRXN1-related disorders. Last evaluated: 2025-07-16. Review status: criteria provided, single submitter. Criteria: Variantyx Assertion Criteria 2022. Collection method: clinical testing. Allele origin: de novo. Inheritance: Autosomal dominant inheritance. Affected: yes.
Comment: This is a frameshift variant in the NRXN1 gene (OMIM: 600565). Pathogenic variants in this gene have been associated with autosomal dominant complex neurodevelopmental disorder. The alteration introduces a premature termination codon in exon 10 out of 23 and is expected to result in loss of function, which is a known disease mechanism for NRXN1 in this disorder (PMID: 33191396, 29923609, 23533028, 24253858, 29703944, 24811917, 23505263) (PVS1). This variant has a 0.0015% maximum allele frequency in non-founder control populations (PM2) and it has not been reported in individuals with NRXN1-related disorders in the databases available for review. Based on the current evidence, this variant is classified as pathogenic for autosomal dominant complex neurodevelopmental disorder.

Literature cited by the submitters: PubMed 33191396; PubMed 29923609; PubMed 23533028; PubMed 24253858; PubMed 29703944; PubMed 24811917; PubMed 23505263.